The following is an entry in ClinVar:

ClinVar aggregate classification (germline): Pathogenic/Likely pathogenic. Review status: criteria provided, multiple submitters, no conflicts (2 of 4 stars). 4 submissions from 4 submitters: Pathogenic (2); Likely pathogenic (2). Last evaluated 2025-12-17.

Conditions:
GBE1-related disorder. Also called: GBE1-related condition; GBE1-related disorders. Identifiers: MedGen CN239402.
Glycogen storage disease, type IV (GSD4). Also called: GBE1 DEFICIENCY; GLYCOGEN BRANCHING ENZYME DEFICIENCY; GLYCOGENOSIS IV; GSD IV; Glycogen storage disease due to glycogen branching enzyme deficiency; AMYLOPECTINOSIS. Identifiers: Orphanet 367, MedGen C0017923, MONDO:0009292, OMIM 232500.
Glycogen storage disease IV, classic hepatic. Also called: GSD IV, CLASSIC HEPATIC. Identifiers: MedGen C1856301.

Allele frequency attached by ClinVar (database versions not stated): gnomAD exomes below 0.00001; TOPMed below 0.00001.

Submissions (4):

Labcorp Genetics (formerly Invitae), Labcorp
Classification: Pathogenic for Glycogen storage disease, type IV; Glycogen storage disease IV, classic hepatic. Last evaluated: 2025-12-17. Review status: criteria provided, single submitter. Criteria: Invitae Variant Classification Sherloc (09022015). Collection method: clinical testing. Allele origin: germline.
Comment: This sequence change creates a premature translational stop signal (p.Asp169Ilefs*3) in the GBE1 gene. It is expected to result in an absent or disrupted protein product. Loss-of-function variants in GBE1 are known to be pathogenic (PMID: 15452297, 20058079). This variant is not present in population databases (gnomAD no frequency). This variant has not been reported in the literature in individuals affected with GBE1-related conditions. ClinVar contains an entry for this variant (Variation ID: 1076919). For these reasons, this variant has been classified as Pathogenic.

Natera, Inc.
Classification: Likely pathogenic for Glycogen storage disease type IV. Last evaluated: 2024-12-23. Review status: criteria provided, single submitter. Criteria: Natera Variant Classification Schema (03/2026). Collection method: clinical testing. Allele origin: germline.
Comment: The c.505del variant in GBE1 is a frameshift variant predicted to shift the reading frame beginning at codon 169 and leads to a stop codon 3 codons downstream. This variant is expected to result in nonsense mediated decay, truncation, or a dysfunctional protein product. This variant is rare in the general population with a frequency below the threshold expected for the associated phenotype(s). Given the available evidence, this variant is classified as Likely Pathogenic.

Baylor Genetics
Classification: Pathogenic for Glycogen storage disease, type IV. Last evaluated: 2023-09-09. Review status: criteria provided, single submitter. Criteria: ACMG Guidelines, 2015. Collection method: clinical testing. Allele origin: unknown.

PreventionGenetics, part of Exact Sciences
Classification: Likely pathogenic for GBE1-related condition. Last evaluated: 2023-03-09. Review status: criteria provided, single submitter. Criteria: ACMG Guidelines, 2015. Collection method: clinical testing. Allele origin: germline.
Comment: The GBE1 c.505delG variant is predicted to result in a frameshift and premature protein termination (p.Asp169Ilefs*3). To our knowledge, this variant has not been reported in the literature, or in a large population database, indicating this variant is rare. Frameshift variants in GBE1 are expected to be pathogenic. This variant is interpreted as likely pathogenic.

Literature cited by the submitters: PubMed 15452297 (cited by Labcorp Genetics (formerly Invitae), Labcorp); PubMed 20058079 (cited by Labcorp Genetics (formerly Invitae), Labcorp).

NM_000158.4(GBE1):c.505del (p.Asp169fs)

Gene: GBE1 (1,4-alpha-glucan branching enzyme 1; minus strand). Cytogenetic location: 3p12.2.
Variant type: Deletion.
Coding change: c.505del on transcript NM_000158.4 (MANE Select); coding-DNA position 505, one base deleted (G; older notation c.505delG).
Protein change: p.Asp169fs; shifts the reading frame from aspartic acid 169.
Molecular consequence: frameshift variant.
Genome position (GRCh38, 1-based): chr3:81,649,846, C deleted on the plus strand (G on the coding strand, the reverse complement: GBE1 is on the minus strand). VCF-style (leftmost placement, unchanged base first): chr3-81649845-TC-T. GRCh37 (hg19) VCF-style: chr3-81698996-TC-T.
Other names: c.505del (NM_000158.3); c.505delG (NM_000158.3); short protein forms D169fs.
Identifiers: ClinVar variation 1076919 (VCV001076919.8), dbSNP rs1370223073, ClinGen allele CA911024568.
Genomic context (GRCh38, chr3:81,649,845, plus strand): 5'-GTTGTTCTCACCTCATATGAGTGTTCTGGATCCCAGTGTATCCAATCATAATTCACATTA[TC>T]ACCTTCACGAACCACATACTTTGCCCACGGTGAAATACGATACAAGATCTCTCCGCTTTT-3'